The following is an entry in ClinVar:

ClinVar aggregate classification (germline): Uncertain significance (1 of 4 stars; one submission).

Allele frequency attached by ClinVar (database versions not stated): gnomAD exomes below 0.00001; TOPMed below 0.00001.
gnomAD v4.1: 1 of 1,614,216 alleles (0.000062%); highest among the groups gnomAD compares: Non-Finnish European, 0.000085%; no homozygotes.

Submission:

Labcorp Genetics (formerly Invitae), Labcorp
Classification: Uncertain significance. Last evaluated: 2024-06-18. Review status: criteria provided, single submitter. Criteria: Invitae Variant Classification Sherloc (09022015). Collection method: clinical testing. Allele origin: germline.
Comment: This sequence change replaces glutamic acid, which is acidic and polar, with lysine, which is basic and polar, at codon 298 of the CTNNA1 protein (p.Glu298Lys). This variant is not present in population databases (gnomAD no frequency). This variant has not been reported in the literature in individuals affected with CTNNA1-related conditions. ClinVar contains an entry for this variant (Variation ID: 643522). Advanced modeling of protein sequence and biophysical properties (such as structural, functional, and spatial information, amino acid conservation, physicochemical variation, residue mobility, and thermodynamic stability) performed at Invitae indicates that this missense variant is not expected to disrupt CTNNA1 protein function with a negative predictive value of 80%. In summary, the available evidence is currently insufficient to determine the role of this variant in disease. Therefore, it has been classified as a Variant of Uncertain Significance.

NM_001903.5(CTNNA1):c.892G>A (p.Glu298Lys)

Gene: CTNNA1 (catenin alpha 1; plus strand). Cytogenetic location: 5q31.2.
Variant type: single nucleotide variant.
Coding change: c.892G>A on transcript NM_001903.5 (MANE Select); coding-DNA position 892, G replaced by A.
Protein change: p.Glu298Lys; replaces glutamic acid 298 with lysine.
Molecular consequence: missense variant.
Genome position (GRCh38, 1-based): chr5:138,827,548, G>A. VCF-style: chr5-138827548-G-A. GRCh37 (hg19) VCF-style: chr5-138163237-G-A.
Other names: c.892G>A, p.Glu298Lys (NM_001290307.3, NM_001323982.2, NM_001323983.1 and 3 more transcripts); c.583G>A, p.Glu195Lys (NM_001290309.3); c.523G>A, p.Glu175Lys (NM_001290310.3); short protein forms E175K, E195K, E298K.
Identifiers: ClinVar variation 643522 (VCV000643522.8), dbSNP rs1581178228, ClinGen allele CA361130739.